The following is an entry in ClinVar:

NC_000016.9:g.(?_68853177)_(68863706_?)dup

Gene: CDH1 (cadherin 1; plus strand). Cytogenetic location: 16q22.1.
Variant type: Duplication.
Identifiers: ClinVar variation 463690 (VCV000463690.9).

ClinVar aggregate classification (germline): Likely pathogenic (1 of 4 stars; one submission).

Conditions:
Hereditary diffuse gastric adenocarcinoma (HDGC). Also called: DIFFUSE GASTRIC AND LOBULAR BREAST CANCER SYNDROME. Identifiers: Orphanet 26106, MedGen C1708349, MONDO:0007648, OMIM 137215.

Submission:

Labcorp Genetics (formerly Invitae), Labcorp
Classification: Likely pathogenic for Hereditary diffuse gastric adenocarcinoma. Last evaluated: 2022-07-19. Review status: criteria provided, single submitter. Criteria: Invitae Variant Classification Sherloc (09022015). Collection method: clinical testing. Allele origin: germline.
Comment: This variant results in a copy number gain of the genomic region encompassing exon(s) 11-15 of the CDH1 gene. While the exact position of this variant cannot be determined from the data, sub-genic copy number gains are generally in tandem (PMID: 25640679). This variant is predicted to be out-of-frame, and may result in an absent or disrupted protein product. Loss-of-function variants in CDH1 are known to be pathogenic (PMID: 15235021, 20373070). This variant has not been reported in the literature in individuals affected with CDH1-related conditions. In summary, the currently available evidence indicates that the variant is pathogenic, but additional data are needed to prove that conclusively. Therefore, this variant has been classified as Likely Pathogenic.

Literature cited by the submitters: PubMed 25640679; PubMed 15235021; PubMed 20373070.